The following is an entry in ClinVar:

NM_000093.5(COL5A1):c.4370del (p.Pro1457fs)

Gene: COL5A1 (collagen type V alpha 1 chain; plus strand). Cytogenetic location: 9q34.3.
Variant type: Deletion.
Coding change: c.4370del on transcript NM_000093.5 (MANE Select); coding-DNA position 4370, one base deleted (C; older notation c.4370delC).
Protein change: p.Pro1457fs; shifts the reading frame from proline 1457.
Molecular consequence: frameshift variant.
Genome position (GRCh38, 1-based): chr9:134,818,879, C deleted; the last of 3 consecutive C bases (chr9:134,818,877-134,818,879); deleting any one gives the same sequence. VCF-style (leftmost placement, unchanged base first): chr9-134818876-GC-G. GRCh37 (hg19) VCF-style: chr9-137710722-GC-G.
Other names: c.4370del, p.Pro1457fs (NM_001278074.1); short protein forms P1457fs.
Identifiers: ClinVar variation 2693271 (VCV002693271.3), dbSNP rs2490850927, ClinGen allele CA2697558217.

ClinVar aggregate classification (germline): Pathogenic (1 of 4 stars; one submission).

Conditions:
Ehlers-Danlos syndrome, classic type, 1 (EDSCL1). Also called: EHLERS-DANLOS SYNDROME, GRAVIS TYPE; EHLERS-DANLOS SYNDROME, SEVERE CLASSIC TYPE; Ehlers-Danlos syndrome, type 1; Ehlers-Danlos Syndrome, Classic Type, COL5A1-Related; EDS I. Identifiers: MedGen C0268335, MONDO:0019567, OMIM 130000.

Submission:

Labcorp Genetics (formerly Invitae), Labcorp
Classification: Pathogenic for Ehlers-Danlos syndrome, classic type, 1. Last evaluated: 2023-11-04. Review status: criteria provided, single submitter. Criteria: Invitae Variant Classification Sherloc (09022015). Collection method: clinical testing. Allele origin: germline.
Comment: This sequence change creates a premature translational stop signal (p.Pro1457Argfs*31) in the COL5A1 gene. It is expected to result in an absent or disrupted protein product. Loss-of-function variants in COL5A1 are known to be pathogenic (PMID: 23587214). This variant is not present in population databases (gnomAD no frequency). This variant has not been reported in the literature in individuals affected with COL5A1-related conditions. For these reasons, this variant has been classified as Pathogenic.

Literature cited by the submitters: PubMed 23587214.